The following is an entry in ClinVar:

ClinVar aggregate classification (germline): Likely benign (1 of 4 stars; one submission).

Allele frequency attached by ClinVar (database versions not stated): gnomAD exomes 0.00010; ExAC 0.00043; ESP Exome Variant Server 0.00066; gnomAD 0.00094; TOPMed 0.00094; 1000 Genomes Project 0.00159; 1000 Genomes Project 30x 0.00187.

Submission:

CeGaT Center for Human Genetics Tuebingen
Classification: Likely benign. Last evaluated: 2022-09-01. Review status: criteria provided, single submitter. Criteria: CeGaT Center For Human Genetics Tuebingen Variant Classification Criteria Version 2. Collection method: clinical testing. Allele origin: germline. Affected: yes. Observed: 1 variant allele.
Comment: SLITRK4: BP4

NM_001184749.3(SLITRK4):c.35T>C (p.Leu12Pro)

Gene: SLITRK4 (SLIT and NTRK like family member 4; minus strand). Cytogenetic location: Xq27.3.
Variant type: single nucleotide variant.
Coding change: c.35T>C on transcript NM_001184749.3 (MANE Select); coding-DNA position 35, T replaced by C.
Protein change: p.Leu12Pro; replaces leucine 12 with proline.
Molecular consequence: missense variant.
Genome position (GRCh38, 1-based): chrX:143,631,074, A>G on the plus strand (T>C on the coding strand, the complement: SLITRK4 is on the minus strand). VCF-style: chrX-143631074-A-G. GRCh37 (hg19) VCF-style: chrX-142718890-A-G.
Other names: c.35T>C, p.Leu12Pro (NM_001184750.2, NM_173078.5); short protein forms L12P.
Identifiers: ClinVar variation 2661578 (VCV002661578.24), dbSNP rs73577388, ClinGen allele CA10534682.